The following is an entry in ClinVar:

NM_006231.4(POLE):c.850_851del (p.Lys284fs)

Gene: POLE (DNA polymerase epsilon, catalytic subunit; minus strand). Cytogenetic location: 12q24.33.
Variant type: Deletion.
Coding change: c.850_851del on transcript NM_006231.4 (MANE Select); coding-DNA positions 850 to 851, 2 bases deleted (AA; older notation c.850_851delAA).
Protein change: p.Lys284fs; shifts the reading frame from lysine 284.
Molecular consequence: frameshift variant.
Genome position (GRCh38, 1-based): chr12:132,676,604-132,676,605, TT deleted on the plus strand (AA on the coding strand, the reverse complement: POLE is on the minus strand). VCF-style (leftmost placement, unchanged base first): chr12-132676603-CTT-C. GRCh37 (hg19) VCF-style: chr12-133253189-CTT-C.
Other names: short protein forms K284fs.
Identifiers: ClinVar variation 545855 (VCV000545855.8), dbSNP rs1555229421, ClinGen allele CA658821753.
Genomic context (GRCh38, chr12:132,676,603, plus strand): 5'-CACCTGGCCATCGATCATGTAGGAAATCATCATAATCTGGTCTGTCTCAGCATCAGGAAA[CTT>C]GAGGGGCAGTTTGGTCGTCTCAATGTCAAATGCCAAAACCACAGGGTCCTGTGGGGACAA-3'

ClinVar aggregate classification (germline): Conflicting classifications of pathogenicity. Review status: criteria provided, conflicting classifications (1 of 4 stars). 3 submissions from 3 submitters: Pathogenic (1); Uncertain significance (2). Last evaluated 2025-08-26.

Conditions:
Hereditary cancer-predisposing syndrome. Also called: Neoplastic Syndromes, Hereditary; Hereditary Cancer Syndrome; Tumor predisposition; Hereditary neoplastic syndrome. Identifiers: Orphanet 140162, MedGen C0027672, MeSH D009386, MONDO:0015356.

Allele frequency attached by ClinVar (database versions not stated): TOPMed below 0.00001.

Submissions (3):

Ambry Genetics
Classification: Uncertain significance for Hereditary cancer-predisposing syndrome. Last evaluated: 2025-08-26. Review status: criteria provided, single submitter. Criteria: Ambry Variant Classification Scheme 2023. Collection method: clinical testing. Allele origin: germline.
Comment: The c.850_851delAA variant, located in coding exon 9 of the POLE gene, results from a deletion of two nucleotides at nucleotide positions 850 to 851, causing a translational frameshift with a predicted alternate stop codon (p.K284Vfs*3). This alteration is expected to result in loss of function by premature protein truncation or nonsense-mediated mRNA decay. Although biallelic loss of function of POLE has been associated with autosomal recessive POLE deficiency, haploinsufficiency of POLE has not been established as a mechanism of disease for POLE-related polymerase proofreading-associated polyposis (PPAP) and POLE-related CMMRD-like syndrome. Based on the supporting evidence, this variant is expected to be causative of POLE deficiency when present along with a second pathogenic variant on the other allele; however, its clinical significance for PPAP and POLE-related CMMRD-like syndrome is unclear.

Labcorp Genetics (formerly Invitae), Labcorp
Classification: Pathogenic. Last evaluated: 2022-05-12. Review status: criteria provided, single submitter. Criteria: Invitae Variant Classification Sherloc (09022015). Collection method: clinical testing. Allele origin: germline.
Comment: For these reasons, this variant has been classified as Pathogenic. ClinVar contains an entry for this variant (Variation ID: 545855). This variant has not been reported in the literature in individuals affected with POLE-related conditions. This variant is not present in population databases (gnomAD no frequency). This sequence change creates a premature translational stop signal (p.Lys284Valfs*3) in the POLE gene. It is expected to result in an absent or disrupted protein product. Loss-of-function variants in POLE are known to be pathogenic (PMID: 23230001, 25948378, 30503519).

GeneDx
Classification: Uncertain significance. Last evaluated: 2017-12-19. Review status: criteria provided, single submitter. Criteria: GeneDx Variant Classification (06012015). Collection method: clinical testing. Allele origin: germline. Affected: yes.
Comment: This deletion of two nucleotides in POLE is denoted c.850_851delAA at the cDNA level and p.Lys284ValfsX3 (K284VfsX3) at the protein level. The normal sequence, with the bases that are deleted in brackets, is CCTC[delAA]GTTT. The deletion causes a frameshift which changes a Lysine to a Valine at codon 284, and creates a premature stop codon at position 3 of the new reading frame. However, while missense variants located within the exonuclease domain of the POLE gene have been recognized as an underlying cause of Polymerase Proofreading-Associated Polyposis (PPAP), an autosomal dominant condition associated with polyposis and an increased risk for colon cancer (Palles 2013, Spier 2015), there are no data to support that loss-of-function variants, such as this one, confer the same cancer risks. Based on current evidence, we consider this variant to be of uncertain significance with respect to cancer. A recessive disease associated with POLE has been reported in the literature. In one large consanguineous family, 14 affected relatives with a syndrome called FILS (facial dysmorphism, immunodeficiency, livedo, and short stature) were all found to be homozygous for POLE c.4444+3A>G, a splice variant which results in a small proportion (~10%) of normal POLE transcript (Pachlopnik Schmid 2012). In addition, an unrelated individual with a suspected chromosome instability syndrome was also found to be homozygous for POLE c.4444+3A>G (Thiffault 2015). We cannot assess whether the variant identified in the current patient would cause the same recessive disease. Individuals and family members of reproductive age may choose to consider assessment of potential reproductive risks.

Literature cited by the submitters: PubMed 23230001 (cited by Labcorp Genetics (formerly Invitae), Labcorp); PubMed 25948378 (cited by Labcorp Genetics (formerly Invitae), Labcorp); PubMed 30503519 (cited by Labcorp Genetics (formerly Invitae), Labcorp).